The following is an entry in ClinVar:

ClinVar aggregate classification (germline): Uncertain significance. Review status: criteria provided, multiple submitters, no conflicts (2 of 4 stars). 2 submissions from 2 submitters: Uncertain significance (2). Last evaluated 2024-11-25.

Conditions:
Joubert syndrome 17 (JBTS17). Identifiers: Orphanet 475, MedGen C3553264, MONDO:0013824, OMIM 614615.
Orofaciodigital syndrome type 6 (OFD6). Also called: OROFACIODIGITAL SYNDROME VI; OFDS VI; POLYDACTYLY, CLEFT LIP/PALATE OR LINGUAL LUMP, AND PSYCHOMOTOR RETARDATION; VARADI SYNDROME; VARADI-PAPP SYNDROME; Oral-facial-digital syndrome type 6. Identifiers: Orphanet 2754, MedGen C2745997, MONDO:0010176, OMIM 277170.

Submissions (2):

Labcorp Genetics (formerly Invitae), Labcorp
Classification: Uncertain significance. Last evaluated: 2024-11-25. Review status: criteria provided, single submitter. Criteria: Invitae Variant Classification Sherloc (09022015). Collection method: clinical testing. Allele origin: germline.
Comment: This sequence change replaces arginine, which is basic and polar, with lysine, which is basic and polar, at codon 1274 of the CPLANE1 protein (p.Arg1274Lys). This variant is not present in population databases (gnomAD no frequency). This variant has not been reported in the literature in individuals affected with CPLANE1-related conditions. Invitae Evidence Modeling of protein sequence and biophysical properties (such as structural, functional, and spatial information, amino acid conservation, physicochemical variation, residue mobility, and thermodynamic stability) has been performed for this missense variant. However, the output from this modeling did not meet the statistical confidence thresholds required to predict the impact of this variant on CPLANE1 protein function. In summary, the available evidence is currently insufficient to determine the role of this variant in disease. Therefore, it has been classified as a Variant of Uncertain Significance.

Fulgent Genetics
Classification: Uncertain significance for Orofaciodigital syndrome type 6; Joubert syndrome 17. Last evaluated: 2024-04-12. Review status: criteria provided, single submitter. Criteria: ACMG Guidelines, 2015. Collection method: clinical testing. Allele origin: germline.

NM_001384732.1(CPLANE1):c.3821G>A (p.Arg1274Lys)

Gene: CPLANE1 (ciliogenesis and planar polarity effector complex subunit 1; minus strand). Cytogenetic location: 5p13.2.
Variant type: single nucleotide variant.
Coding change: c.3821G>A on transcript NM_001384732.1 (MANE Select); coding-DNA position 3821, G replaced by A.
Protein change: p.Arg1274Lys; replaces arginine 1274 with lysine.
Molecular consequence: missense variant.
Genome position (GRCh38, 1-based): chr5:37,187,833, C>T on the plus strand (G>A on the coding strand, the complement: CPLANE1 is on the minus strand). VCF-style: chr5-37187833-C-T. GRCh37 (hg19) VCF-style: chr5-37187935-C-T.
Other names: c.3821G>A, p.Arg1274Lys (NM_023073.4); c.3821G>A (NM_023073.3); short protein forms R1274K.
Identifiers: ClinVar variation 3592489 (VCV003592489.3).
Genomic context (GRCh38, chr5:37,187,833, plus strand): 5'-CTGCAACTATAGGATAACTTATCACGGACATGCAGCATCCAACACAGAGCACAAAGTTCT[C>T]TGAAGCAACCTAAAGCAGGAACACAAATATGAAAGAAAATCACATGAGTATGTACATTAA-3'
Protein context (NP_001371661.1, residues 1264-1284): EVSIRAIGCF[Arg1274Lys]ELCALCWMLH